The following is an entry in ClinVar:

ClinVar aggregate classification (germline): Uncertain significance (1 of 4 stars; one submission).

Conditions:
Early Myoclonic Encephalopathy. Identifiers: MedGen C0270855.

Allele frequency attached by ClinVar (database versions not stated): gnomAD exomes 0.00001; TOPMed 0.00002.
gnomAD v4.1: 12 of 1,613,752 alleles (0.00074%); highest among the groups gnomAD compares: Non-Finnish European, 0.00085%; no homozygotes.

Submission:

Labcorp Genetics (formerly Invitae), Labcorp
Classification: Uncertain significance for Early Myoclonic Encephalopathy. Last evaluated: 2024-05-01. Review status: criteria provided, single submitter. Criteria: Invitae Variant Classification Sherloc (09022015). Collection method: clinical testing. Allele origin: germline.
Comment: This sequence change replaces leucine, which is neutral and non-polar, with phenylalanine, which is neutral and non-polar, at codon 774 of the JMJD1C protein (p.Leu774Phe). This variant is present in population databases (no rsID available, gnomAD 0.009%). This variant has not been reported in the literature in individuals affected with JMJD1C-related conditions. ClinVar contains an entry for this variant (Variation ID: 460229). An algorithm developed to predict the effect of missense changes on protein structure and function (PolyPhen-2) suggests that this variant is likely to be disruptive. In summary, the available evidence is currently insufficient to determine the role of this variant in disease. Therefore, it has been classified as a Variant of Uncertain Significance.

NM_032776.3(JMJD1C):c.2322A>C (p.Leu774Phe)

Gene: JMJD1C (jumonji domain containing 1C; minus strand). Cytogenetic location: 10q21.3.
Variant type: single nucleotide variant.
Coding change: c.2322A>C on transcript NM_032776.3 (MANE Select); coding-DNA position 2322, A replaced by C.
Protein change: p.Leu774Phe; replaces leucine 774 with phenylalanine.
Molecular consequence: missense variant. On other transcripts: non-coding transcript variant (1).
Genome position (GRCh38, 1-based): chr10:63,213,845, T>G on the plus strand (A>C on the coding strand, the complement: JMJD1C is on the minus strand). VCF-style: chr10-63213845-T-G. GRCh37 (hg19) VCF-style: chr10-64973605-T-G.
Other names: c.1776A>C, p.Leu592Phe (NM_001282948.2, NM_001318154.2); c.1458A>C, p.Leu486Phe (NM_001318153.2); c.2208A>C, p.Leu736Phe (NM_001322252.2); c.1665A>C, p.Leu555Phe (NM_001322254.2, NM_001322258.2); short protein forms L774F, L736F, L486F, L592F, L555F.
Identifiers: ClinVar variation 460229 (VCV000460229.10), dbSNP rs1414243223, ClinGen allele CA377045376.